The following is an entry in ClinVar:

NM_000218.3(KCNQ1):c.1514+29798G>A

Genes: KCNQ1 (potassium voltage-gated channel subfamily Q member 1; plus strand), KCNQ1OT1 (KCNQ1 opposite strand/antisense transcript 1; minus strand). Cytogenetic location: 11p15.5.
Variant type: single nucleotide variant.
Coding change: c.1514+29798G>A on transcript NM_000218.3 (MANE Select); 29798 bases into the intron after coding-DNA position 1514, G replaced by A.
Molecular consequence: intron variant.
Genome position (GRCh38, 1-based): chr11:2,691,879, G>A. VCF-style: chr11-2691879-G-A. GRCh37 (hg19) VCF-style: chr11-2713109-G-A.
Other names: c.1244+29798G>A (NM_001406837.1); c.1418+29798G>A (NM_001406836.1); c.974+29798G>A (NM_001406838.1); c.1133+29798G>A (NM_181798.2).
Identifiers: ClinVar variation 1711314 (VCV001711314.30), dbSNP rs181640090, ClinGen allele CA216193203.

ClinVar aggregate classification (germline): Likely benign (1 of 4 stars; one submission).

Allele frequency attached by ClinVar (database versions not stated): 1000 Genomes Project 30x 0.00078; 1000 Genomes Project 0.00100; TOPMed 0.00162; gnomAD 0.00241; gnomAD exomes 0.00301.
gnomAD v4.1: 1,084 of 398,762 alleles (0.27%); highest among the groups gnomAD compares: Non-Finnish European, 0.3%; 10 homozygotes.

Submission:

CeGaT Center for Human Genetics Tuebingen
Classification: Likely benign. Last evaluated: 2026-06-01. Review status: criteria provided, single submitter. Criteria: CeGaT Center For Human Genetics Tuebingen Variant Classification Criteria Version 2. Collection method: clinical testing. Allele origin: germline. Affected: yes. Observed: 20 variant alleles.
Comment: KCNQ1OT1: BS2